The following is an entry in ClinVar:

NM_004744.5(LRAT):c.190T>C (p.Tyr64His)

Gene: LRAT (lecithin retinol acyltransferase; plus strand). Cytogenetic location: 4q32.1.
Variant type: single nucleotide variant.
Coding change: c.190T>C on transcript NM_004744.5 (MANE Select); coding-DNA position 190, T replaced by C.
Protein change: p.Tyr64His; replaces tyrosine 64 with histidine.
Molecular consequence: missense variant.
Genome position (GRCh38, 1-based): chr4:154,744,516, T>C. VCF-style: chr4-154744516-T-C. GRCh37 (hg19) VCF-style: chr4-155665668-T-C.
Other names: c.190T>C, p.Tyr64His (NM_001301645.2); short protein forms Y64H.
Identifiers: ClinVar variation 957588 (VCV000957588.9), dbSNP rs1417030380, ClinGen allele CA358630167.
Genomic context (GRCh38, chr4:154,744,516, plus strand): 5'-TCTTTCCACCGAGGCGACGTGCTGGAGGTGCCCCGGACCCACCTGACCCACTATGGCATC[T>C]ACCTAGGAGACAACCGTGTTGCCCACATGATGCCCGACATCCTGTTGGCCCTGACAGACG-3'
Protein context (NP_004735.2, residues 54-74): PRTHLTHYGI[Tyr64His]LGDNRVAHMM

ClinVar aggregate classification (germline): Uncertain significance (1 of 4 stars; one submission).

Allele frequency attached by ClinVar (database versions not stated): gnomAD exomes below 0.00001.
gnomAD v4.1: 2 of 1,613,980 alleles (0.00012%); highest among the groups gnomAD compares: Non-Finnish European, 0.00017%; no homozygotes.

Submission:

Labcorp Genetics (formerly Invitae), Labcorp
Classification: Uncertain significance. Last evaluated: 2019-11-05. Review status: criteria provided, single submitter. Criteria: Invitae Variant Classification Sherloc (09022015). Collection method: clinical testing. Allele origin: germline.
Comment: In summary, the available evidence is currently insufficient to determine the role of this variant in disease. Therefore, it has been classified as a Variant of Uncertain Significance. Algorithms developed to predict the effect of missense changes on protein structure and function are either unavailable or do not agree on the potential impact of this missense change (SIFT: "Deleterious"; PolyPhen-2: "Probably Damaging"; Align-GVGD: "Class C0"). This variant has not been reported in the literature in individuals with LRAT-related conditions. This variant is not present in population databases (ExAC no frequency). This sequence change replaces tyrosine with histidine at codon 64 of the LRAT protein (p.Tyr64His). The tyrosine residue is highly conserved and there is a moderate physicochemical difference between tyrosine and histidine.